The following is an entry in ClinVar:

ClinVar aggregate classification (germline): Likely benign. Review status: criteria provided, multiple submitters, no conflicts (2 of 4 stars). 2 submissions from 2 submitters: Likely benign (2). Last evaluated 2025-05-01.

Conditions:
Inborn genetic diseases. Identifiers: MedGen C0950123, MeSH D030342.

gnomAD v4.1: 44 of 1,613,204 alleles (0.0027%); highest among the groups gnomAD compares: East Asian, 0.085%; no homozygotes.

Submissions (2):

CeGaT Center for Human Genetics Tuebingen
Classification: Likely benign. Last evaluated: 2025-05-01. Review status: criteria provided, single submitter. Criteria: CeGaT Center For Human Genetics Tuebingen Variant Classification Criteria Version 2. Collection method: clinical testing. Allele origin: germline. Affected: yes. Observed: 1 variant allele.
Comment: ZNF292: BP4, BS1

Ambry Genetics
Classification: Likely benign for Inborn genetic diseases. Last evaluated: 2024-03-25. Review status: criteria provided, single submitter. Criteria: Ambry Variant Classification Scheme 2023. Collection method: clinical testing. Allele origin: germline.

NM_015021.3(ZNF292):c.3061T>G (p.Leu1021Val)

Gene: ZNF292 (zinc finger protein 292; plus strand). Cytogenetic location: 6q14.3.
Variant type: single nucleotide variant.
Coding change: c.3061T>G on transcript NM_015021.3 (MANE Select); coding-DNA position 3061, T replaced by G.
Protein change: p.Leu1021Val; replaces leucine 1021 with valine.
Molecular consequence: missense variant.
Genome position (GRCh38, 1-based): chr6:87,256,690, T>G. VCF-style: chr6-87256690-T-G. GRCh37 (hg19) VCF-style: chr6-87966408-T-G.
Other names: c.2641T>G, p.Leu881Val (NM_001351444.2); short protein forms L1021V, L881V.
Identifiers: ClinVar variation 3335391 (VCV003335391.11).
Genomic context (GRCh38, chr6:87,256,690, plus strand): 5'-ACTCAGAATTCTTTAGTAAATTCAGAAACTCTCAAAATAGGTGACCTTACCCCACAAAAC[T>G]TAGAAAGACAAGTGAACAACTTGATGACCTTTTCTGTGCAAAATCAGGCAGCATTTCAAA-3'
Protein context (NP_055836.1, residues 1011-1031): LKIGDLTPQN[Leu1021Val]ERQVNNLMTF